The following is an entry in ClinVar:

ClinVar aggregate classification (germline): Benign (1 of 4 stars; one submission).

Conditions:
Peters plus syndrome. Also called: KRAUSE-KIVLIN SYNDROME. Identifiers: Orphanet 709, MedGen C0796012, MONDO:0009856, OMIM 261540.

Allele frequency attached by ClinVar (database versions not stated): 1000 Genomes Project 0.00539; gnomAD 0.00563 and 0.00601; 1000 Genomes Project 30x 0.00593; TOPMed 0.00627.

Submission:

Illumina Laboratory Services, Illumina
Classification: Benign for Peters plus syndrome. Last evaluated: 2018-01-13. Review status: criteria provided, single submitter. Criteria: ICSL Variant Classification Criteria 13 December 2019. Collection method: clinical testing. Allele origin: germline.
Comment: This variant was observed in the ICSL laboratory as part of a predisposition screen in an ostensibly healthy population. It had not been previously curated by ICSL or reported in the Human Gene Mutation Database (HGMD: prior to June 1st, 2018), and was therefore a candidate for classification through an automated scoring system. Utilizing variant allele frequency, disease prevalence and penetrance estimates, and inheritance mode, an automated score was calculated to assess if this variant is too frequent to cause the disease. Based on the score and internal cut-off values, a variant classified as benign is not then subjected to further curation. The score for this variant resulted in a classification of benign for this disease.

NM_194318.4(B3GLCT):c.*1197A>T

Gene: B3GLCT (beta 3-glucosyltransferase; plus strand). Cytogenetic location: 13q12.3.
Variant type: single nucleotide variant.
Coding change: c.*1197A>T on transcript NM_194318.4 (MANE Select); 1197 bases downstream of the stop codon, A replaced by T.
Molecular consequence: 3 prime UTR variant.
Genome position (GRCh38, 1-based): chr13:31,330,865, A>T. VCF-style: chr13-31330865-A-T. GRCh37 (hg19) VCF-style: chr13-31905002-A-T.
Identifiers: ClinVar variation 881997 (VCV000881997.4), dbSNP rs147350414, ClinGen allele CA247893085.